The following is an entry in ClinVar:

ClinVar aggregate classification (germline): Uncertain significance (1 of 4 stars; one submission).

Submission:

Labcorp Genetics (formerly Invitae), Labcorp
Classification: Uncertain significance. Last evaluated: 2022-09-13. Review status: criteria provided, single submitter. Criteria: Invitae Variant Classification Sherloc (09022015). Collection method: clinical testing. Allele origin: germline.
Comment: This variant is not present in population databases (gnomAD no frequency). This sequence change replaces glutamine, which is neutral and polar, with glutamic acid, which is acidic and polar, at codon 1602 of the RP1 protein (p.Gln1602Glu). This variant has not been reported in the literature in individuals affected with RP1-related conditions. In summary, the available evidence is currently insufficient to determine the role of this variant in disease. Therefore, it has been classified as a Variant of Uncertain Significance. Algorithms developed to predict the effect of missense changes on protein structure and function (SIFT, PolyPhen-2, Align-GVGD) all suggest that this variant is likely to be tolerated. ClinVar contains an entry for this variant (Variation ID: 1468283).

NM_006269.2(RP1):c.4804C>G (p.Gln1602Glu)

Gene: RP1 (RP1 axonemal microtubule associated; plus strand). Cytogenetic location: 8q12.1.
Variant type: single nucleotide variant.
Coding change: c.4804C>G on transcript NM_006269.2 (MANE Select); coding-DNA position 4804, C replaced by G.
Protein change: p.Gln1602Glu; replaces glutamine 1602 with glutamic acid.
Molecular consequence: missense variant. On other transcripts: intron variant (1).
Genome position (GRCh38, 1-based): chr8:54,628,686, C>G. VCF-style: chr8-54628686-C-G. GRCh37 (hg19) VCF-style: chr8-55541246-C-G.
Other names: c.787+6398C>G (NM_001375654.1); short protein forms Q1602E.
Identifiers: ClinVar variation 1468283 (VCV001468283.8), dbSNP rs1359338583, ClinGen allele CA370983224.